The following is an entry in ClinVar:

ClinVar aggregate classification (germline): Uncertain significance (1 of 4 stars; one submission).

Submission:

Labcorp Genetics (formerly Invitae), Labcorp
Classification: Uncertain significance. Last evaluated: 2024-08-17. Review status: criteria provided, single submitter. Criteria: Invitae Variant Classification Sherloc (09022015). Collection method: clinical testing. Allele origin: germline.
Comment: This sequence change falls in intron 16 of the ELP1 gene. It does not directly change the encoded amino acid sequence of the ELP1 protein. It affects a nucleotide within the consensus splice site. This variant is not present in population databases (gnomAD no frequency). This variant has not been reported in the literature in individuals affected with ELP1-related conditions. Variants that disrupt the consensus splice site are a relatively common cause of aberrant splicing (PMID: 17576681, 9536098). Algorithms developed to predict the effect of sequence changes on RNA splicing suggest that this variant may disrupt the consensus splice site. In summary, the available evidence is currently insufficient to determine the role of this variant in disease. Therefore, it has been classified as a Variant of Uncertain Significance.

Literature cited by the submitters: PubMed 17576681; PubMed 9536098.

NM_003640.5(ELP1):c.1855-2dup

Gene: ELP1 (elongator acetyltransferase complex subunit 1; minus strand). Cytogenetic location: 9q31.3.
Variant type: Duplication.
Coding change: c.1855-2dup on transcript NM_003640.5 (MANE Select); the canonical splice acceptor site of the intron before coding-DNA position 1855, one base duplicated (A; older notation c.1855-2dupA).
Molecular consequence: splice acceptor variant.
Genome position (GRCh38, 1-based): chr9:108,901,683, T duplicated on the plus strand (A on the coding strand, the reverse complement: ELP1 is on the minus strand). VCF-style (leftmost placement, unchanged base first): chr9-108901682-C-CT. GRCh37 (hg19) VCF-style: chr9-111663962-C-CT.
Other names: c.1513-2dup (NM_001318360.2); c.808-2dup (NM_001330749.2).
Identifiers: ClinVar variation 3653617 (VCV003653617.2).